The following is an entry in ClinVar:

NM_001322934.2(NFKB2):c.742C>G (p.Leu248Val)

Genes: NFKB2 (nuclear factor kappa B subunit 2; plus strand), LOC121815964 (Sharpr-MPRA regulatory region 13585; plus strand). Cytogenetic location: 10q24.32.
Variant type: single nucleotide variant.
Coding change: c.742C>G on transcript NM_001322934.2 (MANE Select); coding-DNA position 742, C replaced by G.
Protein change: p.Leu248Val; replaces leucine 248 with valine.
Molecular consequence: missense variant.
Genome position (GRCh38, 1-based): chr10:102,398,061, C>G. VCF-style: chr10-102398061-C-G. GRCh37 (hg19) VCF-style: chr10-104157818-C-G.
Other names: c.742C>G, p.Leu248Val (NM_001077494.3, NM_001261403.3, NM_001288724.1 and 2 more transcripts); short protein forms L248V.
Identifiers: ClinVar variation 864159 (VCV000864159.9), dbSNP rs2061148628, ClinGen allele CA377897393.

ClinVar aggregate classification (germline): Uncertain significance (1 of 4 stars; one submission).

Conditions:
Immunodeficiency, common variable, 10. Also called: IMMUNODEFICIENCY, COMMON VARIABLE, WITH CENTRAL ADRENAL INSUFFICIENCY; DEFICIT IN ANTERIOR PITUITARY FUNCTION AND VARIABLE IMMUNODEFICIENCY. Identifiers: MedGen C3809991, MONDO:0014260, OMIM 615577.

Submission:

Labcorp Genetics (formerly Invitae), Labcorp
Classification: Uncertain significance for Immunodeficiency, common variable, 10. Last evaluated: 2025-02-13. Review status: criteria provided, single submitter. Criteria: Invitae Variant Classification Sherloc (09022015). Collection method: clinical testing. Allele origin: germline.
Comment: This sequence change replaces leucine, which is neutral and non-polar, with valine, which is neutral and non-polar, at codon 248 of the NFKB2 protein (p.Leu248Val). This variant is not present in population databases (gnomAD no frequency). This variant has not been reported in the literature in individuals affected with NFKB2-related conditions. ClinVar contains an entry for this variant (Variation ID: 864159). An algorithm developed to predict the effect of missense changes on protein structure and function (PolyPhen-2) suggests that this variant is likely to be disruptive. In summary, the available evidence is currently insufficient to determine the role of this variant in disease. Therefore, it has been classified as a Variant of Uncertain Significance.